The following is an entry in ClinVar:

ClinVar aggregate classification (germline): Uncertain significance. Review status: criteria provided, multiple submitters, no conflicts (2 of 4 stars). 2 submissions from 2 submitters: Uncertain significance (2). Last evaluated 2025-09-02.

Conditions:
Inborn genetic diseases. Identifiers: MedGen C0950123, MeSH D030342.
Charcot-Marie-Tooth disease axonal type 2P. Also called: CHARCOT-MARIE-TOOTH DISEASE, AXONAL, TYPE 2G; CMT 2G; CHARCOT-MARIE-TOOTH NEUROPATHY, TYPE 2P; Charcot-Marie-Tooth Neuropathy Type 2G. Identifiers: Orphanet 300319, Orphanet 99941, MedGen C3280797, MONDO:0013753, OMIM 614436.

Allele frequency attached by ClinVar (database versions not stated): gnomAD exomes 0.00002 and 0.00010; gnomAD 0.00005; TOPMed 0.00006; ExAC 0.00014.
gnomAD v4.1: 34 of 1,610,646 alleles (0.0021%); highest among the groups gnomAD compares: East Asian, 0.054%; no homozygotes.

Submissions (2):

Labcorp Genetics (formerly Invitae), Labcorp
Classification: Uncertain significance for Charcot-Marie-Tooth disease axonal type 2P. Last evaluated: 2025-09-02. Review status: criteria provided, single submitter. Criteria: Invitae Variant Classification Sherloc (09022015). Collection method: clinical testing. Allele origin: germline.
Comment: This sequence change replaces arginine, which is basic and polar, with tryptophan, which is neutral and slightly polar, at codon 190 of the LRSAM1 protein (p.Arg190Trp). This variant is present in population databases (rs767583106, gnomAD 0.1%). This variant has not been reported in the literature in individuals affected with LRSAM1-related conditions. ClinVar contains an entry for this variant (Variation ID: 855086). Invitae Evidence Modeling of protein sequence and biophysical properties (such as structural, functional, and spatial information, amino acid conservation, physicochemical variation, residue mobility, and thermodynamic stability) indicates that this missense variant is not expected to disrupt LRSAM1 protein function with a negative predictive value of 80%. In summary, the available evidence is currently insufficient to determine the role of this variant in disease. Therefore, it has been classified as a Variant of Uncertain Significance.

Ambry Genetics
Classification: Uncertain significance for Inborn genetic diseases. Last evaluated: 2024-03-07. Review status: criteria provided, single submitter. Criteria: Ambry Variant Classification Scheme 2023. Collection method: clinical testing. Allele origin: germline.

NM_001005373.4(LRSAM1):c.568C>T (p.Arg190Trp)

Gene: LRSAM1 (leucine rich repeat and sterile alpha motif containing 1; plus strand). Cytogenetic location: 9q33.3.
Variant type: single nucleotide variant.
Coding change: c.568C>T on transcript NM_001005373.4 (MANE Select); coding-DNA position 568, C replaced by T.
Protein change: p.Arg190Trp; replaces arginine 190 with tryptophan.
Molecular consequence: missense variant. On other transcripts: 5 prime UTR variant (1), non-coding transcript variant (2).
Genome position (GRCh38, 1-based): chr9:127,467,779, C>T. VCF-style: chr9-127467779-C-T. GRCh37 (hg19) VCF-style: chr9-130230058-C-T.
Other names: c.568C>T, p.Arg190Trp (NM_001005374.4, NM_001190723.3, NM_001384142.1 and 2 more transcripts); c.-217C>T (NM_001384144.1); c.568C>T (NM_138361.4); short protein forms R190W.
Identifiers: ClinVar variation 855086 (VCV000855086.10), dbSNP rs767583106, ClinGen allele CA5246601.